The following is an entry in ClinVar:

ClinVar aggregate classification (germline): Uncertain significance (1 of 4 stars; one submission).

Submission:

Labcorp Genetics (formerly Invitae), Labcorp
Classification: Uncertain significance. Last evaluated: 2022-03-19. Review status: criteria provided, single submitter. Criteria: Invitae Variant Classification Sherloc (09022015). Collection method: clinical testing. Allele origin: germline.
Comment: This sequence change replaces serine, which is neutral and polar, with arginine, which is basic and polar, at codon 61 of the TGFB1 protein (p.Ser61Arg). This variant is not present in population databases (gnomAD no frequency). This variant has not been reported in the literature in individuals affected with TGFB1-related conditions. Algorithms developed to predict the effect of missense changes on protein structure and function (SIFT, PolyPhen-2, Align-GVGD) all suggest that this variant is likely to be tolerated. In summary, the available evidence is currently insufficient to determine the role of this variant in disease. Therefore, it has been classified as a Variant of Uncertain Significance.

NM_000660.7(TGFB1):c.183C>A (p.Ser61Arg)

Genes: TGFB1 (transforming growth factor beta 1; minus strand), LOC130064510 (ATAC-STARR-seq lymphoblastoid silent region 10661; plus strand). Cytogenetic location: 19q13.2.
Variant type: single nucleotide variant.
Coding change: c.183C>A on transcript NM_000660.7 (MANE Select); coding-DNA position 183, C replaced by A.
Protein change: p.Ser61Arg; replaces serine 61 with arginine.
Molecular consequence: missense variant.
Genome position (GRCh38, 1-based): chr19:41,352,862, G>T on the plus strand (C>A on the coding strand, the complement: TGFB1 is on the minus strand). VCF-style: chr19-41352862-G-T. GRCh37 (hg19) VCF-style: chr19-41858767-G-T.
Other names: short protein forms S61R.
Identifiers: ClinVar variation 1363078 (VCV001363078.8), dbSNP rs2123118360, ClinGen allele CA406005758.